The following is an entry in ClinVar:

ClinVar aggregate classification (germline): Likely pathogenic (1 of 4 stars; one submission).

Conditions:
Neurodevelopmental disorder with regression, abnormal movements, loss of speech, and seizures. Identifiers: Orphanet 597623, MedGen C4748127, MONDO:0060759, OMIM 618088.

Submission:

Greenwood Genetic Center Diagnostic Laboratories, Greenwood Genetic Center
Classification: Likely pathogenic for Neurodevelopmental disorder with regression, abnormal movements, loss of speech, and seizures. Last evaluated: 2023-06-01. Review status: criteria provided, single submitter. Criteria: ACMG Guidelines, 2015. Collection method: clinical testing. Allele origin: germline. Affected: yes.
Comment: PVS1, PM2

NM_024496.4(IRF2BPL):c.1271_1272dup (p.Thr425fs)

Gene: IRF2BPL (interferon regulatory factor 2 binding protein like; minus strand). Cytogenetic location: 14q24.3.
Variant type: Duplication.
Coding change: c.1271_1272dup on transcript NM_024496.4 (MANE Select); coding-DNA positions 1271 to 1272, 2 bases duplicated (CC; older notation c.1271_1272dupCC).
Protein change: p.Thr425fs; shifts the reading frame from threonine 425.
Molecular consequence: frameshift variant.
Genome position (GRCh38, 1-based): chr14:77,026,521-77,026,522, GG duplicated on the plus strand (CC on the coding strand, the reverse complement: IRF2BPL is on the minus strand); duplicating any 2 consecutive bases within chr14:77,026,521-77,026,524 gives the same sequence; the c. name uses the placement nearest the transcript's 3' end. VCF-style (leftmost placement, unchanged base first): chr14-77026520-T-TGG. GRCh37 (hg19) VCF-style: chr14-77492863-T-TGG.
Other names: short protein forms T425fs.
Identifiers: ClinVar variation 2572245 (VCV002572245.1), dbSNP rs2503075991, ClinGen allele CA2580613735.